The following is an entry in ClinVar:

NC_000008.10:g.(43033378_43037287)_(43057999_?)dup

Gene: HGSNAT (heparan-alpha-glucosaminide N-acetyltransferase; plus strand). Cytogenetic location: 8p11.21.
Variant type: Duplication.
Identifiers: ClinVar variation 4689725 (VCV004689725.1).

ClinVar aggregate classification (germline): Uncertain significance (1 of 4 stars; one submission).

Submission:

Women's Health and Genetics/Laboratory Corporation of America, LabCorp
Classification: Uncertain significance. Last evaluated: 2026-01-26. Review status: criteria provided, single submitter. Criteria: LabCorp Variant Classification Summary - May 2015. Collection method: clinical testing. Allele origin: germline.
Comment: Variant summary: The variant involves the duplication of exons 11-18 in the HGSNAT gene. The exact breakpoint at the 3' end of this variant is unknown, therefore this duplication may extend downstream of the annotated region of the gene. As it duplicates the termination codon, its effect on the encoded protein is unknown. A presumed nomenclature of c.(1012+1_1013-1)_(*3287_?)dup has been designated for the purposes of this classification. The variant was absent in 21694 control chromosomes. The available data on variant occurrences in the general population are insufficient to allow any conclusion about variant significance. To our knowledge, no occurrence of c.(1012+1_1013-1)_(*3287_?)dup in individuals affected with HGSNAT-related conditions and no experimental evidence demonstrating its impact on protein function have been reported. ClinVar contains an entry for this variant (Variation ID: 1434569). Based on the evidence outlined above, the variant was classified as uncertain significance.